The following is an entry in ClinVar:

ClinVar aggregate classification (germline): Uncertain significance (1 of 4 stars; one submission).

Submission:

Labcorp Genetics (formerly Invitae), Labcorp
Classification: Uncertain significance. Last evaluated: 2022-08-01. Review status: criteria provided, single submitter. Criteria: Invitae Variant Classification Sherloc (09022015). Collection method: clinical testing. Allele origin: germline.
Comment: This variant, c.7647_7649del, results in the deletion of 1 amino acid(s) of the CPLANE1 protein (p.Lys2550del), but otherwise preserves the integrity of the reading frame. This variant is present in population databases (no rsID available, gnomAD 0.003%). This variant has not been reported in the literature in individuals affected with CPLANE1-related conditions. Experimental studies and prediction algorithms are not available or were not evaluated, and the functional significance of this variant is currently unknown. In summary, the available evidence is currently insufficient to determine the role of this variant in disease. Therefore, it has been classified as a Variant of Uncertain Significance.

NM_001384732.1(CPLANE1):c.7647_7649del (p.Lys2550del)

Gene: CPLANE1 (ciliogenesis and planar polarity effector complex subunit 1; minus strand). Cytogenetic location: 5p13.2.
Variant type: Deletion.
Coding change: c.7647_7649del on transcript NM_001384732.1 (MANE Select); coding-DNA positions 7647 to 7649, 3 bases deleted (GAA; older notation c.7647_7649delGAA).
Protein change: p.Lys2550del; deletes lysine 2550.
Molecular consequence: inframe deletion.
Genome position (GRCh38, 1-based): chr5:37,162,506-37,162,508, TTC deleted on the plus strand (GAA on the coding strand, the reverse complement: CPLANE1 is on the minus strand); deleting any 3 consecutive bases within chr5:37,162,506-37,162,510 gives the same sequence; the c. name uses the placement nearest the transcript's 3' end. VCF-style (leftmost placement, unchanged base first): chr5-37162505-TTTC-T. GRCh37 (hg19) VCF-style: chr5-37162607-TTTC-T.
Other names: c.7647_7649del, p.Lys2550del (NM_023073.4); short protein forms K2550del.
Identifiers: ClinVar variation 1998413 (VCV001998413.4), dbSNP rs1369463765, ClinGen allele CA559023753.